The following is an entry in ClinVar:

ClinVar aggregate classification (germline): Uncertain significance (1 of 4 stars; one submission).

Conditions:
Intellectual developmental disorder, autosomal recessive 65. Also called: MENTAL RETARDATION, AUTOSOMAL RECESSIVE 65; Intellectual disability, autosomal recessive 65. Identifiers: MedGen C4748219, MONDO:0020850, OMIM 618109.

Submission:

MVZ Medizinische Genetik Mainz
Classification: Uncertain significance for Intellectual developmental disorder, autosomal recessive 65. Last evaluated: 2025-07-30. Review status: criteria provided, single submitter. Criteria: UK Practice Guidelines For Variant Classification V4 01 2020. Collection method: clinical testing. Allele origin: germline. Inheritance: Autosomal recessive inheritance. Affected: yes. Observed: 1 variant allele.
Comment: ACMG Criteria: PM2_SUP,PP3

NM_006618.5(KDM5B):c.283-3T>G

Gene: KDM5B (lysine demethylase 5B; minus strand). Cytogenetic location: 1q32.1.
Variant type: single nucleotide variant.
Coding change: c.283-3T>G on transcript NM_006618.5 (MANE Select); 3 bases into the intron before coding-DNA position 283, T replaced by G.
Molecular consequence: intron variant.
Genome position (GRCh38, 1-based): chr1:202,774,738, A>C on the plus strand (T>G on the coding strand, the complement: KDM5B is on the minus strand). VCF-style: chr1-202774738-A-C. GRCh37 (hg19) VCF-style: chr1-202743866-A-C.
Other names: c.268-3T>G (NM_001399817.1); c.283-3T>G (NM_001347591.2, NM_001314042.2).
Identifiers: ClinVar variation 4077074 (VCV004077074.1).